The following is an entry in ClinVar:

ClinVar aggregate classification (germline): Benign. Review status: criteria provided, multiple submitters, no conflicts (2 of 4 stars). 2 submissions from 2 submitters: Benign (2). Last evaluated 2020-04-29.

Allele frequency attached by ClinVar (database versions not stated): ESP Exome Variant Server 0.33208; ExAC 0.34444; 1000 Genomes Project 30x 0.27030; 1000 Genomes Project 0.27077; TOPMed 0.31008.
gnomAD v4.1: 607,608 of 1,613,696 alleles (38%); highest among the groups gnomAD compares: Middle Eastern, 50%; 120,624 homozygotes.

Submissions (2):

GeneDx
Classification: Benign. Last evaluated: 2020-04-29. Review status: criteria provided, single submitter. Criteria: GeneDx Variant Classification Process June 2021. Collection method: clinical testing. Allele origin: germline. Affected: yes.
Comment: This variant is associated with the following publications: (PMID: 29020356)

Breakthrough Genomics
Classification: Benign. Review status: criteria provided, single submitter. Criteria: ACMG Guidelines, 2015. Collection method: not provided. Allele origin: germline. Inheritance: Unknown mechanism. Affected: yes.

NM_001081442.3(LILRB5):c.740A>G (p.Asp247Gly)

Gene: LILRB5 (leukocyte immunoglobulin like receptor B5; minus strand). Cytogenetic location: 19q13.42.
Variant type: single nucleotide variant.
Coding change: c.740A>G on transcript NM_001081442.3 (MANE Select); coding-DNA position 740, A replaced by G.
Protein change: p.Asp247Gly; replaces aspartic acid 247 with glycine.
Molecular consequence: missense variant.
Genome position (GRCh38, 1-based): chr19:54,255,498, T>C on the plus strand (A>G on the coding strand, the complement: LILRB5 is on the minus strand). VCF-style: chr19-54255498-T-C. GRCh37 (hg19) VCF-style: chr19-54759361-T-C.
Other names: c.440A>G, p.Asp147Gly (NM_001081443.3); c.713A>G, p.Asp238Gly (NM_001304457.3); c.740A>G, p.Asp247Gly (NM_006840.5); short protein forms D147G, D238G, D247G.
Identifiers: ClinVar variation 1244706 (VCV001244706.3), dbSNP rs12975366, ClinGen allele CA309429833.